The following is an entry in ClinVar:

NM_001166108.2(PALLD):c.1265A>G (p.His422Arg)

Gene: PALLD (palladin, cytoskeletal associated protein; plus strand). Cytogenetic location: 4q32.3.
Variant type: single nucleotide variant.
Coding change: c.1265A>G on transcript NM_001166108.2 (MANE Select); coding-DNA position 1265, A replaced by G.
Protein change: p.His422Arg; replaces histidine 422 with arginine.
Molecular consequence: missense variant.
Genome position (GRCh38, 1-based): chr4:168,685,489, A>G. VCF-style: chr4-168685489-A-G. GRCh37 (hg19) VCF-style: chr4-169606640-A-G.
Other names: c.119A>G, p.His40Arg (NM_001166109.2); c.1265A>G, p.His422Arg (NM_016081.4); short protein forms H40R, H422R.
Identifiers: ClinVar variation 3226721 (VCV003226721.1), dbSNP rs2531609745, ClinGen allele CA358794388.

ClinVar aggregate classification (germline): Uncertain significance (1 of 4 stars; one submission).

Submission:

Ambry Genetics
Classification: Uncertain significance. Last evaluated: 2023-10-24. Review status: criteria provided, single submitter. Criteria: Ambry Variant Classification Scheme 2023. Collection method: clinical testing. Allele origin: germline.
Comment: The p.H422R variant (also known as c.1265A>G), located in coding exon 5 of the PALLD gene, results from an A to G substitution at nucleotide position 1265. The histidine at codon 422 is replaced by arginine, an amino acid with highly similar properties. This amino acid position is conserved. In addition, this alteration is predicted to be tolerated by in silico analysis. Since supporting evidence is limited at this time, the clinical significance of this alteration remains unclear.